The following is an entry in ClinVar:

ClinVar aggregate classification (germline): Benign (1 of 4 stars; one submission).

Conditions:
Sessile serrated polyposis cancer syndrome (SSPCS). Identifiers: Orphanet 157798, MedGen C4310714, MONDO:0014919, OMIM 617108.

gnomAD v4.1: 1 of 1,614,224 alleles (0.000062%); highest among the groups gnomAD compares: Non-Finnish European, 0.000085%; no homozygotes.

Submission:

Myriad Genetics, Inc.
Classification: Benign for Sessile serrated polyposis cancer syndrome. Last evaluated: 2026-07-02. Review status: criteria provided, single submitter. Criteria: Myriad Autosomal Dominant, Autosomal Recessive and X-Linked Classification Criteria (2023). Collection method: clinical testing. Allele origin: unknown.
Comment: This variant is considered benign. This variant is a silent/synonymous amino acid change and it is not expected to impact splicing.

NM_017763.6(RNF43):c.2298G>T (p.Ser766=)

Gene: RNF43 (ring finger protein 43; minus strand). Cytogenetic location: 17q22.
Variant type: single nucleotide variant.
Coding change: c.2298G>T on transcript NM_017763.6 (MANE Select); coding-DNA position 2298, G replaced by T.
Protein change: p.Ser766=; no amino-acid change (serine 766 retained).
Molecular consequence: synonymous variant.
Genome position (GRCh38, 1-based): chr17:58,357,478, C>A on the plus strand (G>T on the coding strand, the complement: RNF43 is on the minus strand). VCF-style: chr17-58357478-C-A. GRCh37 (hg19) VCF-style: chr17-56434839-C-A.
Other names: c.2298G>T, p.Ser766= (NM_001305544.3, NM_001438820.1, NM_001438821.1 and 1 more transcripts); c.1917G>T, p.Ser639= (NM_001305545.2, NM_001437987.1).
Identifiers: ClinVar variation 5042462 (VCV005042462.1).